The following is an entry in ClinVar:

ClinVar aggregate classification (germline): Benign. Review status: criteria provided, multiple submitters, no conflicts (2 of 4 stars). 3 submissions from 3 submitters: Benign (3). Last evaluated 2018-06-23.

Conditions:
Mitochondrial complex I deficiency, nuclear type 1. Also called: NADH-COENZYME Q REDUCTASE DEFICIENCY; MITOCHONDRIAL NADH DEHYDROGENASE COMPONENT OF COMPLEX I, DEFICIENCY OF. Identifiers: MedGen C6022305, MONDO:0100224, OMIM 252010.

Allele frequency attached by ClinVar (database versions not stated): 1000 Genomes Project 30x 0.13101; 1000 Genomes Project 0.13139; TOPMed 0.17619; gnomAD 0.18697; gnomAD exomes 0.21533.
gnomAD v4.1: 250,555 of 1,187,450 alleles (21%); highest among the groups gnomAD compares: Non-Finnish European, 24%; 29,312 homozygotes.

Submissions (3):

GeneDx
Classification: Benign. Last evaluated: 2018-06-23. Review status: criteria provided, single submitter. Criteria: GeneDx Variant Classification Process June 2021. Collection method: clinical testing. Allele origin: germline. Affected: yes.

Illumina Laboratory Services, Illumina
Classification: Benign for Mitochondrial complex I deficiency, nuclear type 1. Last evaluated: 2018-01-12. Review status: criteria provided, single submitter. Criteria: ICSL Variant Classification Criteria 13 December 2019. Collection method: clinical testing. Allele origin: germline.
Comment: This variant was observed in the ICSL laboratory as part of a predisposition screen in an ostensibly healthy population. It had not been previously curated by ICSL or reported in the Human Gene Mutation Database (HGMD: prior to June 1st, 2018), and was therefore a candidate for classification through an automated scoring system. Utilizing variant allele frequency, disease prevalence and penetrance estimates, and inheritance mode, an automated score was calculated to assess if this variant is too frequent to cause the disease. Based on the score and internal cut-off values, a variant classified as benign is not then subjected to further curation. The score for this variant resulted in a classification of benign for this disease.

Breakthrough Genomics
Classification: Benign. Review status: criteria provided, single submitter. Criteria: ACMG Guidelines, 2015. Collection method: not provided. Allele origin: germline. Inheritance: Autosomal recessive inheritance. Affected: yes.

NM_017547.4(FOXRED1):c.*113G>A

Gene: FOXRED1 (FAD dependent oxidoreductase domain containing 1; plus strand). Cytogenetic location: 11q24.2.
Variant type: single nucleotide variant.
Coding change: c.*113G>A on transcript NM_017547.4 (MANE Select); 113 bases downstream of the stop codon, G replaced by A.
Molecular consequence: 3 prime UTR variant. On other transcripts: non-coding transcript variant (2).
Genome position (GRCh38, 1-based): chr11:126,277,802, G>A. VCF-style: chr11-126277802-G-A. GRCh37 (hg19) VCF-style: chr11-126147697-G-A.
Identifiers: ClinVar variation 303547 (VCV000303547.9), dbSNP rs667627, ClinGen allele CA6354498.
Genomic context (GRCh38, chr11:126,277,802, plus strand): 5'-GCCTTGTTTGCTGCTTCCATCTTCCCCAGTACTGTGCCAGGCCTTCTCCCCCTCCCCAGT[G>A]TCCTCTCCTCTCAGGCAGGCCATTGCACCCATATGGCTGGGCAGGCACAGGCAGTGAGGC-3'